The following is an entry in ClinVar:

ClinVar aggregate classification (germline): Uncertain significance (1 of 4 stars; one submission).

Conditions:
Inborn genetic diseases. Identifiers: MedGen C0950123, MeSH D030342.
Ocular cystinosis. Also called: Non-Nephropathic Cystinosis; Non-Nephropathic (Ocular) Cystinosis. Identifiers: Orphanet 213, Orphanet 411641, MedGen C2931013, MONDO:0009064, OMIM 219750.
Juvenile nephropathic cystinosis. Also called: Intermediate Cystinosis; CYSTINOSIS, LATE-ONSET JUVENILE OR ADOLESCENT NEPHROPATHIC TYPE; Later-Onset (Juvenile) Cystinosis. Identifiers: Orphanet 213, Orphanet 411634, MedGen C0268626, MONDO:0009066, OMIM 219900.

Allele frequency attached by ClinVar (database versions not stated): gnomAD 0.00001; TOPMed 0.00003.
gnomAD v4.1: 21 of 1,614,144 alleles (0.0013%); highest among the groups gnomAD compares: Middle Eastern, 0.049%; no homozygotes.

Submission:

Labcorp Genetics (formerly Invitae), Labcorp
Classification: Uncertain significance for Inborn genetic diseases; Ocular cystinosis; Juvenile nephropathic cystinosis. Last evaluated: 2022-10-13. Review status: criteria provided, single submitter. Criteria: Invitae Variant Classification Sherloc (09022015). Collection method: clinical testing. Allele origin: germline.
Comment: This sequence change replaces threonine, which is neutral and polar, with methionine, which is neutral and non-polar, at codon 327 of the CTNS protein (p.Thr327Met). This variant is present in population databases (no rsID available, gnomAD 0.006%). This variant has not been reported in the literature in individuals affected with CTNS-related conditions. Advanced modeling of protein sequence and biophysical properties (such as structural, functional, and spatial information, amino acid conservation, physicochemical variation, residue mobility, and thermodynamic stability) performed at Invitae indicates that this missense variant is not expected to disrupt CTNS protein function. In summary, the available evidence is currently insufficient to determine the role of this variant in disease. Therefore, it has been classified as a Variant of Uncertain Significance.

NM_004937.3(CTNS):c.980C>T (p.Thr327Met)

Gene: CTNS (cystinosin, lysosomal cystine transporter; plus strand). Cytogenetic location: 17p13.2.
Variant type: single nucleotide variant.
Coding change: c.980C>T on transcript NM_004937.3 (MANE Select); coding-DNA position 980, C replaced by T.
Protein change: p.Thr327Met; replaces threonine 327 with methionine.
Molecular consequence: missense variant.
Genome position (GRCh38, 1-based): chr17:3,660,245, C>T. VCF-style: chr17-3660245-C-T. GRCh37 (hg19) VCF-style: chr17-3563539-C-T.
Other names: c.980C>T, p.Thr327Met (NM_001031681.3, NM_001374492.1); c.539C>T, p.Thr180Met (NM_001374493.1, NM_001374494.1, NM_001374495.1 and 1 more transcripts); short protein forms T180M, T327M.
Identifiers: ClinVar variation 2157948 (VCV002157948.1), dbSNP rs1033304034, ClinGen allele CA287022263.